The following is an entry in ClinVar:

NM_003072.5(SMARCA4):c.1335G>A (p.Gln445=)

Gene: SMARCA4 (SWI/SNF related BAF chromatin remodeling complex subunit ATPase 4; plus strand). Cytogenetic location: 19p13.2.
Variant type: single nucleotide variant.
Coding change: c.1335G>A on transcript NM_003072.5 (MANE Select); coding-DNA position 1335, G replaced by A.
Protein change: p.Gln445=; no amino-acid change (glutamine 445 retained).
Molecular consequence: synonymous variant. On other transcripts: non-coding transcript variant (1).
Genome position (GRCh38, 1-based): chr19:10,991,239, G>A. VCF-style: chr19-10991239-G-A. GRCh37 (hg19) VCF-style: chr19-11101915-G-A.
Other names: c.1335G>A, p.Gln445= (NM_001128844.3, NM_001128845.2, NM_001128846.2 and 4 more transcripts).
Identifiers: ClinVar variation 701594 (VCV000701594.12), dbSNP rs1461859748, ClinGen allele CA505490111.

ClinVar aggregate classification (germline): Benign/Likely benign. Review status: criteria provided, multiple submitters, no conflicts (2 of 4 stars). 3 submissions from 3 submitters: Benign (1); Likely benign (2). Last evaluated 2026-07-20.

Conditions:
Hereditary cancer-predisposing syndrome. Also called: Hereditary neoplastic syndrome; Neoplastic Syndromes, Hereditary; Tumor predisposition; Hereditary Cancer Syndrome. Identifiers: Orphanet 140162, MedGen C0027672, MeSH D009386, MONDO:0015356.
Rhabdoid tumor predisposition syndrome 2 (RTPS2). Identifiers: Orphanet 231108, Orphanet 69077, MedGen C2750074, MONDO:0013224, OMIM 613325.

Allele frequency attached by ClinVar (database versions not stated): TOPMed 0.00001.

Submissions (3):

Ambry Genetics
Classification: Likely benign for Hereditary cancer-predisposing syndrome. Last evaluated: 2026-07-20. Review status: criteria provided, single submitter. Criteria: Ambry Variant Classification Scheme 2023. Collection method: clinical testing. Allele origin: germline.

Myriad Genetics, Inc.
Classification: Benign for Rhabdoid tumor predisposition syndrome 2. Last evaluated: 2026-07-10. Review status: criteria provided, single submitter. Criteria: Myriad Autosomal Dominant, Autosomal Recessive and X-Linked Classification Criteria (2023). Collection method: clinical testing. Allele origin: unknown.
Comment: This variant is considered benign. This variant is a silent/synonymous amino acid change and it is not expected to impact splicing.

Labcorp Genetics (formerly Invitae), Labcorp
Classification: Likely benign for Rhabdoid tumor predisposition syndrome 2. Last evaluated: 2023-04-09. Review status: criteria provided, single submitter. Criteria: Invitae Variant Classification Sherloc (09022015). Collection method: clinical testing. Allele origin: germline.